The following is an entry in ClinVar:

NM_058216.3(RAD51C):c.265G>A (p.Glu89Lys)

Gene: RAD51C (RAD51 paralog C; plus strand). Cytogenetic location: 17q22.
Variant type: single nucleotide variant.
Coding change: c.265G>A on transcript NM_058216.3 (MANE Select); coding-DNA position 265, G replaced by A.
Protein change: p.Glu89Lys; replaces glutamic acid 89 with lysine.
Molecular consequence: missense variant. On other transcripts: non-coding transcript variant (2).
Genome position (GRCh38, 1-based): chr17:58,695,050, G>A. VCF-style: chr17-58695050-G-A. GRCh37 (hg19) VCF-style: chr17-56772411-G-A.
Other names: c.265G>A, p.Glu89Lys (NM_002876.4); short protein forms E89K.
Identifiers: ClinVar variation 229792 (VCV000229792.27), dbSNP rs876658197, ClinGen allele CA10580730.

ClinVar aggregate classification (germline): Conflicting classifications of pathogenicity. Review status: criteria provided, conflicting classifications (1 of 4 stars). 10 submissions from 10 submitters: Uncertain significance (9); Benign (1). Last evaluated 2026-07-16.

Conditions:
RAD51C-related disorder. Also called: RAD51C-related condition; RAD51C-related disorders.
Breast-ovarian cancer, familial, susceptibility to, 3. Also called: RAD51C-Related Breast/Ovarian Cancer. Identifiers: Orphanet 145, MedGen C3150659, MONDO:0013253, OMIM 613399.
Fanconi anemia complementation group O. Also called: RAD51C-Related Fanconi Anemia. Identifiers: Orphanet 84, MedGen C3150653, MONDO:0013248, OMIM 613390.
Hereditary cancer-predisposing syndrome. Also called: Neoplastic Syndromes, Hereditary; Tumor predisposition; Hereditary Cancer Syndrome; Hereditary neoplastic syndrome. Identifiers: Orphanet 140162, MedGen C0027672, MeSH D009386, MONDO:0015356.

Allele frequency attached by ClinVar (database versions not stated): gnomAD exomes below 0.00001 and 0.00001; TOPMed 0.00001.
gnomAD v4.1: 3 of 1,614,050 alleles (0.00019%); highest among the groups gnomAD compares: Admixed American, 0.005%; no homozygotes.

Submissions (10):

PreventionGenetics, part of Exact Sciences
Classification: Uncertain significance for RAD51C-related condition. Last evaluated: 2026-07-16. Review status: criteria provided, single submitter. Criteria: ACMG Guidelines, 2015. Collection method: clinical testing. Allele origin: germline.
Comment: The RAD51C c.265G>A variant is predicted to result in the amino acid substitution p.Glu89Lys. To our knowledge, this variant has not been reported in the literature. This variant is reported in 0.0029% of alleles in individuals of Latino descent in gnomAD and has been interpreted as uncertain and likely benign in the ClinVar database (Variation ID: 229792). At this time, the clinical significance of this variant is uncertain due to the absence of conclusive functional and genetic evidence.

Ambry Genetics
Classification: Benign for Hereditary cancer-predisposing syndrome. Last evaluated: 2025-10-24. Review status: criteria provided, single submitter. Criteria: Ambry Variant Classification Scheme 2023. Collection method: clinical testing. Allele origin: germline.

Labcorp Genetics (formerly Invitae), Labcorp
Classification: Uncertain significance for Fanconi anemia complementation group O. Last evaluated: 2025-08-25. Review status: criteria provided, single submitter. Criteria: Invitae Variant Classification Sherloc (09022015). Collection method: clinical testing. Allele origin: germline.
Comment: This sequence change replaces glutamic acid, which is acidic and polar, with lysine, which is basic and polar, at codon 89 of the RAD51C protein (p.Glu89Lys). This variant is present in population databases (no rsID available, gnomAD 0.003%). This variant has not been reported in the literature in individuals affected with RAD51C-related conditions. ClinVar contains an entry for this variant (Variation ID: 229792). Invitae Evidence Modeling of protein sequence and biophysical properties (such as structural, functional, and spatial information, amino acid conservation, physicochemical variation, residue mobility, and thermodynamic stability) indicates that this missense variant is not expected to disrupt RAD51C protein function with a negative predictive value of 80%. In summary, the available evidence is currently insufficient to determine the role of this variant in disease. Therefore, it has been classified as a Variant of Uncertain Significance.

Quest Diagnostics Nichols Institute San Juan Capistrano
Classification: Uncertain significance. Last evaluated: 2024-01-10. Review status: criteria provided, single submitter. Criteria: Quest Diagnostics criteria. Collection method: clinical testing. Allele origin: unknown.
Comment: The RAD51C c.265G>A (p.Glu89Lys) variant has been reported in the published literature in an individual affected with breast cancer (PMID: 31206626 (2019)). The frequency of this variant in the general population, 0.000004 (1/251462 chromosomes (Genome Aggregation Database)), is uninformative in the assessment of its pathogenicity. Analysis of this variant using bioinformatics tools for the prediction of the effect of amino acid changes on protein structure and function yielded conflicting predictions that this variant is benign or damaging. Based on the available information, we are unable to determine the clinical significance of this variant.

Fulgent Genetics
Classification: Uncertain significance for Fanconi anemia complementation group O; Breast-ovarian cancer, familial, susceptibility to, 3. Last evaluated: 2022-04-22. Review status: criteria provided, single submitter. Criteria: ACMG Guidelines, 2015. Collection method: clinical testing. Allele origin: unknown.

Sema4
Classification: Uncertain significance for Hereditary cancer-predisposing syndrome. Last evaluated: 2021-08-10. Review status: criteria provided, single submitter. Criteria: Sema4 Curation Guidelines. Collection method: curation. Allele origin: germline.
Comment: The RAD51C c.265G>A (p.E89K) variant has not been reported in literature to our knowledge. This variant observed in 1/251462 chromosomes in the Genome Aggregation Database (PMID: 32461654). This variant has been reported in ClinVar (Variation ID 229792). Functional studies have not been performed and in silico predictions of the variant's effect on protein function are inconclusive. The overall evidence is insufficient to meet ACMG/AMP criteria for classifying it as benign or pathogenic. In summary, the clinical significance of this variant is currently uncertain.

Color Diagnostics, LLC DBA Color Health
Classification: Uncertain significance for Hereditary cancer-predisposing syndrome. Last evaluated: 2021-08-09. Review status: criteria provided, single submitter. Criteria: ACMG Guidelines, 2015. Collection method: clinical testing. Allele origin: germline.
Comment: This missense variant replaces glutamic acid with lysine at codon 89 of the RAD51C protein. Computational prediction suggests that this variant may not impact protein structure and function (internally defined REVEL score threshold <= 0.5, PMID: 27666373). To our knowledge, functional studies have not been reported for this variant. This variant has not been reported in individuals affected with hereditary cancer in the literature. This variant has been identified in 1/251462 chromosomes in the general population by the Genome Aggregation Database (gnomAD). The available evidence is insufficient to determine the role of this variant in disease conclusively. Therefore, this variant is classified as a Variant of Uncertain Significance.

Blueprint Genetics
Classification: Uncertain significance. Last evaluated: 2021-07-05. Review status: criteria provided, single submitter. Criteria: ACMG Guidelines, 2015. Collection method: clinical testing. Allele origin: germline.

GeneDx
Classification: Uncertain significance. Last evaluated: 2019-08-26. Review status: criteria provided, single submitter. Criteria: GeneDx Variant Classification Process June 2021. Collection method: clinical testing. Allele origin: germline. Affected: yes.
Comment: Not observed at a significant frequency in large population cohorts (Lek 2016); In silico analysis, which includes protein predictors and evolutionary conservation, supports a deleterious effect; Has not been previously published as pathogenic or benign to our knowledge; This variant is associated with the following publications: (PMID: 28137924)

Women's Health and Genetics/Laboratory Corporation of America, LabCorp
Classification: Uncertain significance. Last evaluated: 2019-06-06. Review status: criteria provided, single submitter. Criteria: LabCorp Variant Classification Summary - May 2015. Collection method: clinical testing. Allele origin: germline.
Comment: Variant summary: RAD51C c.265G>A (p.Glu89Lys) results in a conservative amino acid change located in the DNA recombination and repair protein Rad51-like, C-terminal domain of the encoded protein sequence. Three of five in-silico tools predict a damaging effect of the variant on protein function. The variant allele was found at a frequency of 4e-06 in 251462 control chromosomes (gnomAD). The available data on variant occurrences in the general population are insufficient to allow any conclusion about variant significance. To our knowledge, no occurrence of c.265G>A in individuals affected with Hereditary Breast and Ovarian Cancer and no experimental evidence demonstrating its impact on protein function have been reported. Two ClinVar submissions from clinical diagnostic laboratories (evaluation after 2014) cite the variant as uncertain significance. Based on the evidence outlined above, the variant was classified as uncertain significance.

Literature cited by the submitters: PubMed 31206626 (cited by Quest Diagnostics Nichols Institute San Juan Capistrano).